The following is an entry in ClinVar:

NM_032608.7(MYO18B):c.2146C>T (p.Arg716Trp)

Gene: MYO18B (myosin XVIIIB; plus strand). Cytogenetic location: 22q12.1.
Variant type: single nucleotide variant.
Coding change: c.2146C>T on transcript NM_032608.7 (MANE Select); coding-DNA position 2146, C replaced by T.
Protein change: p.Arg716Trp; replaces arginine 716 with tryptophan.
Molecular consequence: missense variant.
Genome position (GRCh38, 1-based): chr22:25,780,133, C>T. VCF-style: chr22-25780133-C-T. GRCh37 (hg19) VCF-style: chr22-26176100-C-T.
Other names: c.2146C>T, p.Arg716Trp (NM_001318245.2); short protein forms R716W.
Identifiers: ClinVar variation 1445397 (VCV001445397.6), dbSNP rs370669904, ClinGen allele CA10160066.

ClinVar aggregate classification (germline): Uncertain significance. Review status: criteria provided, multiple submitters, no conflicts (2 of 4 stars). 3 submissions from 3 submitters: Uncertain significance (3). Last evaluated 2024-06-10.

Allele frequency attached by ClinVar (database versions not stated): ESP Exome Variant Server 0.00008; gnomAD exomes 0.00008; TOPMed 0.00009; gnomAD 0.00011; 1000 Genomes Project 30x 0.00016; ExAC 0.00017; 1000 Genomes Project 0.00020.
gnomAD v4.1: 91 of 1,605,400 alleles (0.0057%); highest among the groups gnomAD compares: Middle Eastern, 0.017%; no homozygotes.

Submissions (3):

Women's Health and Genetics/Laboratory Corporation of America, LabCorp
Classification: Uncertain significance. Last evaluated: 2024-06-10. Review status: criteria provided, single submitter. Criteria: LabCorp Variant Classification Summary - May 2015. Collection method: clinical testing. Allele origin: germline.
Comment: Variant summary: MYO18B c.2146C>T (p.Arg716Trp) results in a non-conservative amino acid change in the encoded protein sequence. Five of five in-silico tools predict a damaging effect of the variant on protein function. The variant allele was found at a frequency of 7.7e-05 in 235292 control chromosomes. This frequency is not significantly higher than estimated for a pathogenic variant in MYO18B causing Klippel-Feil Anomaly-Myopathy Dysmorphism Syndrome, allowing no conclusion about variant significance. To our knowledge, no occurrence of c.2146C>T in individuals affected with Klippel-Feil Anomaly-Myopathy Dysmorphism Syndrome and no experimental evidence demonstrating its impact on protein function have been reported. ClinVar contains an entry for this variant (Variation ID: 1445397). Based on the evidence outlined above, the variant was classified as uncertain significance.

Labcorp Genetics (formerly Invitae), Labcorp
Classification: Uncertain significance. Last evaluated: 2024-01-08. Review status: criteria provided, single submitter. Criteria: Invitae Variant Classification Sherloc (09022015). Collection method: clinical testing. Allele origin: germline.
Comment: This sequence change replaces arginine with tryptophan at codon 716 of the MYO18B protein (p.Arg716Trp). The arginine residue is highly conserved and there is a moderate physicochemical difference between arginine and tryptophan. This variant is present in population databases (rs370669904, gnomAD 0.02%). This variant has not been reported in the literature in individuals affected with MYO18B-related conditions. ClinVar contains an entry for this variant (Variation ID: 1445397). An algorithm developed to predict the effect of missense changes on protein structure and function (PolyPhen-2) suggests that this variant is likely to be disruptive. In summary, the available evidence is currently insufficient to determine the role of this variant in disease. Therefore, it has been classified as a Variant of Uncertain Significance.

Blueprint Genetics
Classification: Uncertain significance. Last evaluated: 2023-10-26. Review status: criteria provided, single submitter. Criteria: ACMG Guidelines, 2015. Collection method: clinical testing. Allele origin: germline.